The following is an entry in ClinVar:

ClinVar aggregate classification (germline): Uncertain significance (1 of 4 stars; one submission).

Submission:

Labcorp Genetics (formerly Invitae), Labcorp
Classification: Uncertain significance. Last evaluated: 2022-03-10. Review status: criteria provided, single submitter. Criteria: Invitae Variant Classification Sherloc (09022015). Collection method: clinical testing. Allele origin: germline.
Comment: This variant is a gross deletion of the genomic region encompassing exon(s) 7-8 of the CNGA1 gene. This variant would be expected to be in-frame, preserving the integrity of the reading frame. This variant has not been reported in the literature in individuals affected with CNGA1-related conditions. In summary, the available evidence is currently insufficient to determine the role of this variant in disease. Therefore, it has been classified as a Variant of Uncertain Significance.

NC_000004.11:g.(?_47945178)_(47945449_?)del

Gene: CNGA1 (cyclic nucleotide gated channel subunit alpha 1; minus strand). Cytogenetic location: 4p12.
Variant type: Deletion.
Identifiers: ClinVar variation 1408960 (VCV001408960.4).